The following is an entry in ClinVar:

NM_198525.3(KIF7):c.451GAG[1] (p.Glu152del)

Gene: KIF7 (kinesin family member 7; minus strand). Cytogenetic location: 15q26.1.
Variant type: Microsatellite.
Coding change: c.451GAG[1] on transcript NM_198525.3 (MANE Select); one copy of the 3-base unit GAG starting at c.451; the reference has two copies in a row; one copy, 3 bases deleted.
Protein change: p.Glu152del; deletes glutamic acid 152.
Genome position (GRCh38, 1-based): chr15:89,649,814-89,649,816, CTC deleted on the plus strand (GAG on the coding strand, the reverse complement: KIF7 is on the minus strand); deleting any 3 consecutive bases within chr15:89,649,814-89,649,821 gives the same sequence; the position shown is the placement nearest the transcript's 3' end. VCF-style (leftmost placement, unchanged base first): chr15-89649813-ACTC-A. GRCh37 (hg19) VCF-style: chr15-90193044-ACTC-A.
Other names: short protein forms E152del.
Identifiers: ClinVar variation 4528273 (VCV004528273.1).

ClinVar aggregate classification (germline): Uncertain significance (1 of 4 stars; one submission).

Submission:

GeneDx
Classification: Uncertain significance. Last evaluated: 2025-04-23. Review status: criteria provided, single submitter. Criteria: GeneDx Variant Classification Process June 2021. Collection method: clinical testing. Allele origin: germline. Affected: yes.
Comment: Not observed at significant frequency in large population cohorts (gnomAD); In-frame deletion of 1 amino acid(s) in a non-repeat region; In silico analysis supports a deleterious effect on protein structure/function; Has not been previously published as pathogenic or benign to our knowledge